The following is an entry in ClinVar:

NM_014915.3(ANKRD26):c.-164C>G

Gene: ANKRD26 (ankyrin repeat domain 26; minus strand). Cytogenetic location: 10p12.1.
Variant type: single nucleotide variant.
Coding change: c.-164C>G on transcript NM_014915.3 (MANE Select); 164 bases upstream of the start codon, C replaced by G.
Molecular consequence: 5 prime UTR variant.
Genome position (GRCh38, 1-based): chr10:27,100,490, G>C on the plus strand (C>G on the coding strand, the complement: ANKRD26 is on the minus strand). VCF-style: chr10-27100490-G-C. GRCh37 (hg19) VCF-style: chr10-27389419-G-C.
Other names: c.-164C>G (NM_001256053.2).
Identifiers: ClinVar variation 2838953 (VCV002838953.3), dbSNP rs1474363279, ClinGen allele CA2739265330.

ClinVar aggregate classification (germline): Uncertain significance (1 of 4 stars; one submission).

Submission:

Labcorp Genetics (formerly Invitae), Labcorp
Classification: Uncertain significance. Last evaluated: 2023-02-18. Review status: criteria provided, single submitter. Criteria: Invitae Variant Classification Sherloc (09022015). Collection method: clinical testing. Allele origin: germline.
Comment: In summary, the available evidence is currently insufficient to determine the role of this variant in disease. Therefore, it has been classified as a Variant of Uncertain Significance. This variant has not been reported in the literature in individuals affected with ANKRD26-related conditions. This variant occurs in a non-coding region of the ANKRD26 gene. It does not change the encoded amino acid sequence of the ANKRD26 protein. This variant is not present in population databases (gnomAD no frequency).